The following is an entry in ClinVar:

ClinVar aggregate classification (germline): Pathogenic/Likely pathogenic. Review status: no assertion criteria provided (0 of 4 stars). 3 submissions from 3 submitters: Pathogenic (1); Likely pathogenic (2). Last evaluated 2024-03-06.

Conditions:
Autosomal recessive spinocerebellar ataxia 20. Identifiers: Orphanet 397709, MedGen C5190595, MONDO:0014601, OMIM 616354.
SNX14-related disorder. Also called: SNX14-related condition.

gnomAD v4.1: 2 of 1,537,118 alleles (0.00013%); no homozygotes.

Submissions (3):

PreventionGenetics, part of Exact Sciences
Classification: Likely pathogenic for SNX14-related condition. Last evaluated: 2024-03-06. Review status: no assertion criteria provided. Collection method: clinical testing. Allele origin: germline.
Comment: The SNX14 c.1894+1G>T variant is predicted to disrupt the GT donor site and interfere with normal splicing. This variant was reported in the homozygous state in an individual with intellectual disability, cerebellar ataxia & atrophy, hearing loss, progressively coarsening facial features & macrocephaly (Thomas et al. 2014. PubMed ID: 25439728). Functional analysis indicated that this nucleotide change resulted in an in-frame deletion of exon 19 (Thomas et al. 2014. PubMed ID: 25439728). This variant has not been reported in a large population database, indicating this variant is rare. Variants that disrupt the consensus splice donor site in SNX14 are expected to be pathogenic. This variant is interpreted as likely pathogenic.

Solve-RD Consortium
Classification: Likely pathogenic for Autosomal recessive spinocerebellar ataxia 20. Last evaluated: 2022-06-01. Review status: no assertion criteria provided. Collection method: provider interpretation. Allele origin: inherited. Affected: yes.
Comment: Variant confirmed as disease-causing by referring clinical team

Variant identified during reanalysis of unsolved cases by the Solve-RD project. The Solve-RD project has received funding from the European Union’s Horizon 2020 research and innovation programme under grant agreement No 779257.

OMIM
Classification: Pathogenic for SPINOCEREBELLAR ATAXIA, AUTOSOMAL RECESSIVE 20. Last evaluated: 2014-11-06. Review status: no assertion criteria provided. Collection method: literature only. Allele origin: germline.

Literature cited by the submitters: PubMed 39825153 (cited by Solve-RD Consortium); PubMed 25439728 (cited by OMIM).

NM_153816.6(SNX14):c.1894+1G>T

Gene: SNX14 (sorting nexin 14; minus strand). Cytogenetic location: 6q14.3.
Variant type: single nucleotide variant.
Coding change: c.1894+1G>T on transcript NM_153816.6 (MANE Select); the canonical splice donor site of the intron after coding-DNA position 1894, G replaced by T.
Molecular consequence: splice donor variant.
Genome position (GRCh38, 1-based): chr6:85,530,191, C>A on the plus strand (G>T on the coding strand, the complement: SNX14 is on the minus strand). VCF-style: chr6-85530191-C-A. GRCh37 (hg19) VCF-style: chr6-86239909-C-A.
Other names: IVS18DS, G-T, +1; c.1603+1G>T (NM_001350543.2); c.1735+1G>T (NM_001350539.2, NM_020468.6); c.1606+1G>T (NM_001350542.2); c.1450+1G>T (NM_001350546.2, NM_001350545.2); c.844+1G>T (NM_001350547.2); c.1594+1G>T (NM_001350544.2); c.712+1G>T (NM_001350553.2); and 10 more.
Identifiers: ClinVar variation 190317 (VCV000190317.3), dbSNP rs876657386, ClinGen allele CA10575697.